The following is an entry in ClinVar:

ClinVar aggregate classification (germline): Uncertain significance (1 of 4 stars; one submission).

Submission:

Ambry Genetics
Classification: Uncertain significance. Last evaluated: 2024-07-26. Review status: criteria provided, single submitter. Criteria: Ambry Variant Classification Scheme 2023. Collection method: clinical testing. Allele origin: germline.
Comment: The p.H625D variant (also known as c.1873C>G), located in coding exon 1 of the MLH3 gene, results from a C to G substitution at nucleotide position 1873. The histidine at codon 625 is replaced by aspartic acid, an amino acid with similar properties. This amino acid position is conserved. In addition, this alteration is predicted to be tolerated by in silico analysis. Based on the available evidence, the clinical significance of this variant remains unclear.

NM_001040108.2(MLH3):c.1873C>G (p.His625Asp)

Gene: MLH3 (mutL homolog 3; minus strand). Cytogenetic location: 14q24.3.
Variant type: single nucleotide variant.
Coding change: c.1873C>G on transcript NM_001040108.2 (MANE Select); coding-DNA position 1873, C replaced by G.
Protein change: p.His625Asp; replaces histidine 625 with aspartic acid.
Molecular consequence: missense variant.
Genome position (GRCh38, 1-based): chr14:75,047,783, G>C on the plus strand (C>G on the coding strand, the complement: MLH3 is on the minus strand). VCF-style: chr14-75047783-G-C. GRCh37 (hg19) VCF-style: chr14-75514486-G-C.
Other names: c.1873C>G, p.His625Asp (NM_014381.3); short protein forms H625D.
Identifiers: ClinVar variation 3396669 (VCV003396669.1).